The following is an entry in ClinVar:

ClinVar aggregate classification (germline): Conflicting classifications of pathogenicity. Review status: criteria provided, conflicting classifications (1 of 4 stars). 2 submissions from 2 submitters: Uncertain significance (1); Likely benign (1). Last evaluated 2025-07-01.

Conditions:
Inborn genetic diseases. Identifiers: MedGen C0950123, MeSH D030342.

Allele frequency attached by ClinVar (database versions not stated): TOPMed 0.00018; 1000 Genomes Project 0.00020; 1000 Genomes Project 30x 0.00031; ExAC 0.00006; ESP Exome Variant Server 0.00008; gnomAD 0.00018.
gnomAD v4.1: 44 of 1,614,196 alleles (0.0027%); highest among the groups gnomAD compares: African/African-American, 0.047%; no homozygotes.

Submissions (2):

Ambry Genetics
Classification: Likely benign for Inborn genetic diseases. Last evaluated: 2025-07-01. Review status: criteria provided, single submitter. Criteria: Ambry Variant Classification Scheme 2023. Collection method: clinical testing. Allele origin: germline.

Labcorp Genetics (formerly Invitae), Labcorp
Classification: Uncertain significance. Last evaluated: 2022-07-14. Review status: criteria provided, single submitter. Criteria: Invitae Variant Classification Sherloc (09022015). Collection method: clinical testing. Allele origin: germline.
Comment: In summary, the available evidence is currently insufficient to determine the role of this variant in disease. Therefore, it has been classified as a Variant of Uncertain Significance. Algorithms developed to predict the effect of missense changes on protein structure and function (SIFT, PolyPhen-2, Align-GVGD) all suggest that this variant is likely to be tolerated. This variant has not been reported in the literature in individuals affected with DHCR24-related conditions. This variant is present in population databases (rs200217334, gnomAD 0.05%). This sequence change replaces glutamic acid, which is acidic and polar, with lysine, which is basic and polar, at codon 243 of the DHCR24 protein (p.Glu243Lys).

NM_014762.4(DHCR24):c.727G>A (p.Glu243Lys)

Gene: DHCR24 (24-dehydrocholesterol reductase; minus strand). Cytogenetic location: 1p32.3.
Variant type: single nucleotide variant.
Coding change: c.727G>A on transcript NM_014762.4 (MANE Select); coding-DNA position 727, G replaced by A.
Protein change: p.Glu243Lys; replaces glutamic acid 243 with lysine.
Molecular consequence: missense variant.
Genome position (GRCh38, 1-based): chr1:54,871,499, C>T on the plus strand (G>A on the coding strand, the complement: DHCR24 is on the minus strand). VCF-style: chr1-54871499-C-T. GRCh37 (hg19) VCF-style: chr1-55337172-C-T.
Other names: c.727G>A (NM_014762.3); short protein forms E243K.
Identifiers: ClinVar variation 2052823 (VCV002052823.3), dbSNP rs200217334, ClinGen allele CA870741.
Genomic context (GRCh38, chr1:54,871,499, plus strand): 5'-CCTGCCGCTGGGACTCGTGGGTGAACTTGGCACAGATAGCCTCCAGGCCCCGCACTGGCT[C>T]GAAACGCAGCTTGACGTACTTCTTGGCAGGGATGATGCGGATCTCAGCGGCCACCAGGAA-3'
Protein context (NP_055577.1, residues 233-253): PAKKYVKLRF[Glu243Lys]PVRGLEAICA